The following is an entry in ClinVar:

NM_153706.4(SETD9):c.243T>C (p.Ser81=)

Gene: SETD9 (SET domain containing 9; plus strand). Cytogenetic location: 5q11.2.
Variant type: single nucleotide variant.
Coding change: c.243T>C on transcript NM_153706.4 (MANE Select); coding-DNA position 243, T replaced by C.
Protein change: p.Ser81=; no amino-acid change (serine 81 retained).
Molecular consequence: synonymous variant. On other transcripts: 5 prime UTR variant (1).
Genome position (GRCh38, 1-based): chr5:56,911,313, T>C. VCF-style: chr5-56911313-T-C. GRCh37 (hg19) VCF-style: chr5-56207140-T-C.
Other names: c.165T>C, p.Ser55= (NM_001323018.2, NM_001323020.2); c.243T>C, p.Ser81= (NM_001323019.2, NM_001171990.3); c.-214T>C (NM_001323022.1).
Identifiers: ClinVar variation 2655471 (VCV002655471.24), dbSNP rs745694356, ClinGen allele CA3273507.

ClinVar aggregate classification (germline): Likely benign (1 of 4 stars; one submission).

Allele frequency attached by ClinVar (database versions not stated): ExAC 0.00006; gnomAD exomes 0.00008.

Submission:

CeGaT Center for Human Genetics Tuebingen
Classification: Likely benign. Last evaluated: 2022-03-01. Review status: criteria provided, single submitter. Criteria: CeGaT Center For Human Genetics Tuebingen Variant Classification Criteria Version 2. Collection method: clinical testing. Allele origin: germline. Affected: yes. Observed: 1 variant allele.
Comment: SETD9: BP4, BP7